The following is an entry in ClinVar:

NM_001164508.2(NEB):c.24766-18C>T

Genes: NEB (nebulin; minus strand), RIF1 (replication timing regulatory factor 1; plus strand). Cytogenetic location: 2q23.3.
Variant type: single nucleotide variant.
Coding change: c.24766-18C>T on transcript NM_001164508.2 (MANE Select); 18 bases into the intron before coding-DNA position 24766, C replaced by T.
Molecular consequence: intron variant.
Genome position (GRCh38, 1-based): chr2:151,492,512, G>A on the plus strand (C>T on the coding strand, the complement: NEB is on the minus strand). VCF-style: chr2-151492512-G-A. GRCh37 (hg19) VCF-style: chr2-152349026-G-A.
Other names: c.19198-18C>T (NM_004543.5); c.24766-18C>T (NM_001164507.2); c.24871-18C>T (NM_001271208.2).
Identifiers: ClinVar variation 95122 (VCV000095122.17), dbSNP rs2288195, ClinGen allele CA148221.
Genomic context (GRCh38, chr2:151,492,512, plus strand): 5'-CTTTGCCTTGTATTTGTTTCCGGAAACTATCAGAATAAAGAACCTGATGCAGGAGAGACC[G>A]TGAATGAGTGGTGCTGTCCTAAATCTGAAACCTCAAAGCCTTTCCAGCAGATAGAGATGG-3'

ClinVar aggregate classification (germline): Benign. Review status: criteria provided, multiple submitters, no conflicts (2 of 4 stars). 9 submissions from 8 submitters: Benign (9). Last evaluated 2026-02-04.

Conditions:
Arthrogryposis multiplex congenita 6. Identifiers: MedGen C5543431, MONDO:0030281, OMIM 619334.
Nemaline myopathy 2 (NEM2). Also called: Nemaline myopathy 2, autosomal recessive. Identifiers: MedGen C1850569, MONDO:0009725, OMIM 256030.

Allele frequency attached by ClinVar (database versions not stated): 1000 Genomes Project 30x 0.63492; 1000 Genomes Project 0.63838; ESP Exome Variant Server 0.64185; gnomAD 0.64910 and 0.64933; TOPMed 0.65370; ExAC 0.66238; gnomAD exomes 0.66648 and 0.66754.
gnomAD v4.1: 1,040,475 of 1,564,944 alleles (66%); highest among the groups gnomAD compares: East Asian, 79%; 347,801 homozygotes.

Submissions (9):

Labcorp Genetics (formerly Invitae), Labcorp
Classification: Benign for Nemaline myopathy 2. Last evaluated: 2026-02-04. Review status: criteria provided, single submitter. Criteria: Invitae Variant Classification Sherloc (09022015). Collection method: clinical testing. Allele origin: germline.

Blueprint Genetics
Classification: Benign. Last evaluated: 2024-11-26. Review status: criteria provided, single submitter. Criteria: ACMG Guidelines, 2015. Collection method: clinical testing. Allele origin: germline.

Genome-Nilou Lab
Classification: Benign for Arthrogryposis multiplex congenita 6. Last evaluated: 2021-07-10. Review status: criteria provided, single submitter. Criteria: ACMG Guidelines, 2015. Collection method: clinical testing. Allele origin: germline. Affected: no.

Genome-Nilou Lab
Classification: Benign for Nemaline myopathy 2. Last evaluated: 2021-07-10. Review status: criteria provided, single submitter. Criteria: ACMG Guidelines, 2015. Collection method: clinical testing. Allele origin: germline. Affected: no.

Women's Health and Genetics/Laboratory Corporation of America, LabCorp
Classification: Benign. Last evaluated: 2017-02-27. Review status: criteria provided, single submitter. Criteria: LabCorp Variant Classification Summary - May 2015. Collection method: clinical testing. Allele origin: germline.
Comment: Variant summary: The NEB c.24871-18C>T variant involves the alteration of a non-conserved intronic nucleotide. One in silico tool predicts a benign outcome for this variant. 5/5 splice prediction tools predict no significant impact on normal splicing. This variant was found in 79288/119702 control chromosomes (26517 homozygotes) at a frequency of 0.6623782, which is approximately 187 times the estimated maximal expected allele frequency of a pathogenic NEB variant (0.0035355), evidence that this variant is a benign polymorphism. In addition, multiple clinical diagnostic laboratories/reputable databases classified this variant as benign. Taken together, this variant is classified as benign.

GeneDx
Classification: Benign. Last evaluated: 2016-01-05. Review status: criteria provided, single submitter. Criteria: GeneDx Variant Classification (06012015). Collection method: clinical testing. Allele origin: germline. Affected: yes.
Comment: This variant is considered likely benign or benign based on one or more of the following criteria: it is a conservative change, it occurs at a poorly conserved position in the protein, it is predicted to be benign by multiple in silico algorithms, and/or has population frequency not consistent with disease.

Eurofins Ntd Llc (ga)
Classification: Benign. Last evaluated: 2013-04-05. Review status: criteria provided, single submitter. Criteria: EGL Classification Definitions 2015. Collection method: clinical testing. Allele origin: germline. Observed: 3 variant alleles, 3 homozygotes.

Breakthrough Genomics
Classification: Benign. Review status: criteria provided, single submitter. Criteria: ACMG Guidelines, 2015. Collection method: not provided. Allele origin: germline. Inheritance: Autosomal recessive inheritance. Affected: yes.

PreventionGenetics, part of Exact Sciences
Classification: Benign. Review status: criteria provided, single submitter. Criteria: ACMG Guidelines, 2015. Collection method: clinical testing. Allele origin: germline.